The following is an entry in ClinVar:

NM_206933.4(USH2A):c.815del (p.Asp272fs)

Gene: USH2A (usherin; minus strand). Cytogenetic location: 1q41.
Variant type: Deletion.
Coding change: c.815del on transcript NM_206933.4 (MANE Select); coding-DNA position 815, one base deleted (A; older notation c.815delA).
Protein change: p.Asp272fs; shifts the reading frame from aspartic acid 272.
Molecular consequence: frameshift variant.
Genome position (GRCh38, 1-based): chr1:216,327,624, T deleted on the plus strand (A on the coding strand, the reverse complement: USH2A is on the minus strand). VCF-style (leftmost placement, unchanged base first): chr1-216327623-AT-A. GRCh37 (hg19) VCF-style: chr1-216500965-AT-A.
Other names: c.815del (NM_206933.2); c.815del, p.Asp272fs (NM_007123.6); short protein forms D272fs.
Identifiers: ClinVar variation 1454725 (VCV001454725.8), dbSNP rs2102658827, ClinGen allele CA2573132660.
Genomic context (GRCh38, chr1:216,327,623, plus strand): 5'-TGAGGTTTACAATGCAACATCTGCTTACCTGTTTGTAAGTGCCACTTGGTATAATCGAAA[AT>A]CTTGCATTCTTCCGACAAACTGCTCTAAACCTGCAAATACACACATGTGCATAATATAAG-3'

ClinVar aggregate classification (germline): Pathogenic/Likely pathogenic. Review status: criteria provided, multiple submitters, no conflicts (2 of 4 stars). 2 submissions from 2 submitters: Pathogenic (1); Likely pathogenic (1). Last evaluated 2025-02-27.

Conditions:
Usher syndrome type 2A. Also called: USHER SYNDROME, TYPE IIA; RETINAL DISEASE IN USHER SYNDROME TYPE IIA, MODIFIER OF. Identifiers: Orphanet 231178, Orphanet 886, MedGen C1848634, MONDO:0010169, OMIM 276901.

Submissions (2):

Natera, Inc.
Classification: Likely pathogenic for Usher syndrome type 2A. Last evaluated: 2025-02-27. Review status: criteria provided, single submitter. Criteria: Natera Variant Classification Schema (03/2026). Collection method: clinical testing. Allele origin: germline.
Comment: The c.815del variant in USH2A is a frameshift variant predicted to shift the reading frame beginning at codon 272 and leads to a stop codon 64 codons downstream. This variant is expected to result in nonsense mediated decay, truncation, or a dysfunctional protein product. This variant is rare in the general population with a frequency below the threshold expected for the associated phenotype(s). Given the available evidence, this variant is classified as Likely Pathogenic.

Labcorp Genetics (formerly Invitae), Labcorp
Classification: Pathogenic. Last evaluated: 2024-05-22. Review status: criteria provided, single submitter. Criteria: Invitae Variant Classification Sherloc (09022015). Collection method: clinical testing. Allele origin: germline.
Comment: This sequence change creates a premature translational stop signal (p.Asp272Valfs*64) in the USH2A gene. It is expected to result in an absent or disrupted protein product. Loss-of-function variants in USH2A are known to be pathogenic (PMID: 10729113, 10909849, 20507924, 25649381). This variant is not present in population databases (gnomAD no frequency). This variant has not been reported in the literature in individuals affected with USH2A-related conditions. ClinVar contains an entry for this variant (Variation ID: 1454725). For these reasons, this variant has been classified as Pathogenic.

Literature cited by the submitters: PubMed 10729113 (cited by Labcorp Genetics (formerly Invitae), Labcorp); PubMed 10909849 (cited by Labcorp Genetics (formerly Invitae), Labcorp); PubMed 20507924 (cited by Labcorp Genetics (formerly Invitae), Labcorp); PubMed 25649381 (cited by Labcorp Genetics (formerly Invitae), Labcorp).